The following is an entry in ClinVar:

ClinVar aggregate classification (germline): Uncertain significance. Review status: criteria provided, multiple submitters, no conflicts (2 of 4 stars). 2 submissions from 2 submitters: Uncertain significance (2). Last evaluated 2025-08-27.

Conditions:
Inborn genetic diseases. Identifiers: MedGen C0950123, MeSH D030342.

Allele frequency attached by ClinVar (database versions not stated): ExAC 0.00003; gnomAD 0.00005; TOPMed 0.00007; gnomAD exomes 0.00008.

Submissions (2):

Ambry Genetics
Classification: Uncertain significance for Inborn genetic diseases. Last evaluated: 2025-08-27. Review status: criteria provided, single submitter. Criteria: Ambry Variant Classification Scheme 2023. Collection method: clinical testing. Allele origin: germline.

Labcorp Genetics (formerly Invitae), Labcorp
Classification: Uncertain significance. Last evaluated: 2023-06-03. Review status: criteria provided, single submitter. Criteria: Invitae Variant Classification Sherloc (09022015). Collection method: clinical testing. Allele origin: germline.
Comment: This variant has not been reported in the literature in individuals affected with SOX17-related conditions. In summary, the available evidence is currently insufficient to determine the role of this variant in disease. Therefore, it has been classified as a Variant of Uncertain Significance. Algorithms developed to predict the effect of missense changes on protein structure and function output the following: SIFT: "Not Available"; PolyPhen-2: "Benign"; Align-GVGD: "Not Available". The serine amino acid residue is found in multiple mammalian species, which suggests that this missense change does not adversely affect protein function. The frequency data for this variant in the population databases is considered unreliable, as metrics indicate poor data quality at this position in the gnomAD database. This sequence change replaces proline, which is neutral and non-polar, with serine, which is neutral and polar, at codon 212 of the SOX17 protein (p.Pro212Ser).

NM_022454.4(SOX17):c.634C>T (p.Pro212Ser)

Gene: SOX17 (SRY-box transcription factor 17; plus strand). Cytogenetic location: 8q11.23.
Variant type: single nucleotide variant.
Coding change: c.634C>T on transcript NM_022454.4 (MANE Select); coding-DNA position 634, C replaced by T.
Protein change: p.Pro212Ser; replaces proline 212 with serine.
Molecular consequence: missense variant.
Genome position (GRCh38, 1-based): chr8:54,459,384, C>T. VCF-style: chr8-54459384-C-T. GRCh37 (hg19) VCF-style: chr8-55371944-C-T.
Other names: c.634C>T (NM_022454.3); short protein forms P212S.
Identifiers: ClinVar variation 2886951 (VCV002886951.4), dbSNP rs769494100, ClinGen allele CA4750950.